The following is an entry in ClinVar:

NM_181426.2(CCDC39):c.1311dup (p.Gln438fs)

Gene: CCDC39 (coiled-coil domain 39 molecular ruler complex subunit; minus strand). Cytogenetic location: 3q26.33.
Variant type: Duplication.
Coding change: c.1311dup on transcript NM_181426.2 (MANE Select); coding-DNA position 1311, one base duplicated (A; older notation c.1311dupA).
Protein change: p.Gln438fs; shifts the reading frame from glutamine 438.
Molecular consequence: frameshift variant.
Genome position (GRCh38, 1-based): chr3:180,648,216, T duplicated on the plus strand (A on the coding strand, the reverse complement: CCDC39 is on the minus strand). VCF-style (leftmost placement, unchanged base first): chr3-180648215-G-GT. GRCh37 (hg19) VCF-style: chr3-180366003-G-GT.
Other names: c.1311dupA (NM_181426.1); short protein forms Q438fs.
Identifiers: ClinVar variation 455009 (VCV000455009.1), dbSNP rs1553804209, ClinGen allele CA658657348.

ClinVar aggregate classification (germline): Pathogenic (1 of 4 stars; one submission).

Conditions:
Primary ciliary dyskinesia. Also called: Ciliary dyskinesia. Identifiers: Orphanet 244, MedGen C0008780, MONDO:0016575, HP:0012265.

Submission:

Labcorp Genetics (formerly Invitae), Labcorp
Classification: Pathogenic for Primary ciliary dyskinesia. Last evaluated: 2017-07-11. Review status: criteria provided, single submitter. Criteria: Invitae Variant Classification Sherloc (09022015). Collection method: clinical testing. Allele origin: germline.
Comment: This sequence change creates a premature translational stop signal (p.Gln438Thrfs*6) in the CCDC39 gene. It is expected to result in an absent or disrupted protein product. This variant is not present in population databases (ExAC no frequency). This variant has not been reported in the literature in individuals with CCDC39-related disease. Loss-of-function variants in CCDC39 are known to be pathogenic (PMID: 21131972, 23255504). For these reasons, this variant has been classified as Pathogenic.